The following is an entry in ClinVar:

NM_130837.3(OPA1):c.582A>G (p.Ile194Met)

Gene: OPA1 (OPA1 mitochondrial dynamin like GTPase; plus strand). Cytogenetic location: 3q29.
Variant type: single nucleotide variant.
Coding change: c.582A>G on transcript NM_130837.3 (MANE Select); coding-DNA position 582, A replaced by G.
Protein change: p.Ile194Met; replaces isoleucine 194 with methionine.
Molecular consequence: missense variant. On other transcripts: intron variant (6).
Genome position (GRCh38, 1-based): chr3:193,617,809, A>G. VCF-style: chr3-193617809-A-G. GRCh37 (hg19) VCF-style: chr3-193335598-A-G.
Other names: c.474A>G, p.Ile158Met (NM_130832.3, NM_130835.3); c.582A>G, p.Ile194Met (NM_130834.3); c.184+524A>G (NM_001354664.2); c.77-1060A>G (NM_001354663.2); c.556+524A>G (NM_130836.3, NM_015560.3); c.449-1060A>G (NM_130833.3, NM_130831.3); short protein forms I194M, I158M.
Identifiers: ClinVar variation 3692990 (VCV003692990.2).

ClinVar aggregate classification (germline): Uncertain significance (1 of 4 stars; one submission).

Submission:

Labcorp Genetics (formerly Invitae), Labcorp
Classification: Uncertain significance. Last evaluated: 2024-09-30. Review status: criteria provided, single submitter. Criteria: Invitae Variant Classification Sherloc (09022015). Collection method: clinical testing. Allele origin: germline.
Comment: The OPA1 gene has multiple clinically relevant transcripts. This variant occurs in alternate transcript NM_130837.2, and corresponds to NM_015560.2:c.556+524A>G in the primary transcript. This sequence change replaces isoleucine, which is neutral and non-polar, with methionine, which is neutral and non-polar, at codon 194 of the OPA1 protein (p.Ile194Met). This variant is not present in population databases (gnomAD no frequency). This variant has not been reported in the literature in individuals affected with OPA1-related conditions. Algorithms developed to predict the effect of sequence changes on RNA splicing suggest that this variant is not likely to affect RNA splicing. In summary, the available evidence is currently insufficient to determine the role of this variant in disease. Therefore, it has been classified as a Variant of Uncertain Significance.